The following is an entry in ClinVar:

ClinVar aggregate classification (germline): Uncertain significance (1 of 4 stars; one submission).

Conditions:
Aortic valve disease 2 (AOVD2). Identifiers: MedGen C3542024, MONDO:0013902, OMIM 614823.

gnomAD v4.1: 1 of 1,230,806 alleles (0.000081%); highest among the groups gnomAD compares: Non-Finnish European, 0.0001%; no homozygotes.

Submission:

Labcorp Genetics (formerly Invitae), Labcorp
Classification: Uncertain significance for Aortic valve disease 2. Last evaluated: 2022-05-12. Review status: criteria provided, single submitter. Criteria: Invitae Variant Classification Sherloc (09022015). Collection method: clinical testing. Allele origin: germline.
Comment: This sequence change replaces cysteine, which is neutral and slightly polar, with tryptophan, which is neutral and slightly polar, at codon 121 of the SMAD6 protein (p.Cys121Trp). This variant is not present in population databases (gnomAD no frequency). This variant has not been reported in the literature in individuals affected with SMAD6-related conditions. Algorithms developed to predict the effect of missense changes on protein structure and function are either unavailable or do not agree on the potential impact of this missense change (SIFT: "Deleterious"; PolyPhen-2: "Probably Damaging"; Align-GVGD: "Class C0"). In summary, the available evidence is currently insufficient to determine the role of this variant in disease. Therefore, it has been classified as a Variant of Uncertain Significance.

NM_005585.5(SMAD6):c.363C>G (p.Cys121Trp)

Gene: SMAD6 (SMAD family member 6; plus strand). Cytogenetic location: 15q22.31.
Variant type: single nucleotide variant.
Coding change: c.363C>G on transcript NM_005585.5 (MANE Select); coding-DNA position 363, C replaced by G.
Protein change: p.Cys121Trp; replaces cysteine 121 with tryptophan.
Molecular consequence: missense variant. On other transcripts: non-coding transcript variant (1).
Genome position (GRCh38, 1-based): chr15:66,703,621, C>G. VCF-style: chr15-66703621-C-G. GRCh37 (hg19) VCF-style: chr15-66995959-C-G.
Other names: short protein forms C121W.
Identifiers: ClinVar variation 1993618 (VCV001993618.4), dbSNP rs1259610693, ClinGen allele CA392949396.